The following is an entry in ClinVar:

NM_205768.3(ZBTB18):c.1183C>T (p.Gln395Ter)

Gene: ZBTB18 (zinc finger and BTB domain containing 18; plus strand). Cytogenetic location: 1q44.
Variant type: single nucleotide variant.
Coding change: c.1183C>T on transcript NM_205768.3 (MANE Select); coding-DNA position 1183, C replaced by T.
Protein change: p.Gln395Ter; replaces glutamine 395 with a stop codon.
Molecular consequence: nonsense.
Genome position (GRCh38, 1-based): chr1:244,054,957, C>T. VCF-style: chr1-244054957-C-T. GRCh37 (hg19) VCF-style: chr1-244218259-C-T.
Other names: c.1156C>T, p.Gln386Ter (NM_001278196.2, NM_006352.5); short protein forms Q395*, Q386*.
Identifiers: ClinVar variation 225892 (VCV000225892.7), dbSNP rs875989786, ClinGen allele CA10576134.

ClinVar aggregate classification (germline): Pathogenic. Review status: criteria provided, multiple submitters, no conflicts (2 of 4 stars). 3 submissions from 3 submitters: Pathogenic (2). 1 of the submissions does not count toward it. Last evaluated 2023-09-22.

Conditions:
Inborn genetic diseases. Identifiers: MedGen C0950123, MeSH D030342.
Intellectual developmental disorder, autosomal dominant 22. Also called: Intellectual disability, autosomal dominant 22. Identifiers: MedGen CN029689, MONDO:0012869, OMIM 612337.

Submissions (3):

GeneDx
Classification: Pathogenic. Last evaluated: 2023-09-22. Review status: criteria provided, single submitter. Criteria: GeneDx Variant Classification Process June 2021. Collection method: clinical testing. Allele origin: germline. Affected: yes.
Comment: Nonsense variant predicted to result in protein truncation, as the last 137 amino acids are lost, and other loss-of-function variants have been reported downstream in HGMD; Not observed at significant frequency in large population cohorts (gnomAD); This variant is associated with the following publications: (PMID: 27598823)

Ambry Genetics
Classification: Pathogenic for Inborn genetic diseases. Last evaluated: 2016-05-24. Review status: criteria provided, single submitter. Criteria: Ambry exome assertion method (8-5-2015). Collection method: clinical testing. Allele origin: germline. Affected: yes. Observed: 1 variant allele.

OMIM
Classification: Pathogenic for INTELLECTUAL DEVELOPMENTAL DISORDER, AUTOSOMAL DOMINANT 22. Last evaluated: 2022-04-05. Review status: no assertion criteria provided. Collection method: literature only. Allele origin: germline. Not counted in ClinVar's aggregate classification.

Literature cited by the submitters: PubMed 27598823 (cited by Ambry Genetics and OMIM).